The following is an entry in ClinVar:

ClinVar aggregate classification (germline): Uncertain significance (1 of 4 stars; one submission).

gnomAD v4.1: 5 of 1,613,948 alleles (0.00031%); highest among the groups gnomAD compares: African/African-American, 0.0013%; no homozygotes.

Submission:

CeGaT Center for Human Genetics Tuebingen
Classification: Uncertain significance. Last evaluated: 2026-06-01. Review status: criteria provided, single submitter. Criteria: CeGaT Center For Human Genetics Tuebingen Variant Classification Criteria Version 2. Collection method: clinical testing. Allele origin: germline. Affected: yes. Observed: 1 variant allele.
Comment: PSMC5: PP2, PP3, PS2:Supporting

NM_002805.6(PSMC5):c.929G>A (p.Arg310His)

Gene: PSMC5 (proteasome 26S subunit, ATPase 5; plus strand). Cytogenetic location: 17q23.3.
Variant type: single nucleotide variant.
Coding change: c.929G>A on transcript NM_002805.6 (MANE Select); coding-DNA position 929, G replaced by A.
Protein change: p.Arg310His; replaces arginine 310 with histidine.
Molecular consequence: missense variant.
Genome position (GRCh38, 1-based): chr17:63,831,385, G>A. VCF-style: chr17-63831385-G-A. GRCh37 (hg19) VCF-style: chr17-61908745-G-A.
Other names: c.905G>A, p.Arg302His (NM_001199163.2); short protein forms R302H, R310H.
Identifiers: ClinVar variation 4873072 (VCV004873072.2).
Genomic context (GRCh38, chr17:63,831,385, plus strand): 5'-AGGTTATCATGGCTACTAATAGGATTGATATCCTGGACTCGGCACTGCTTCGCCCAGGGC[G>A]CATTGACAGAAAAATTGAATTCCCACCCCCCAATGAGGAGGTTTGTGATGGACACTGTGC-3'
Protein context (NP_002796.4, residues 300-320): ILDSALLRPG[Arg310His]IDRKIEFPPP